The following is an entry in ClinVar:

NM_001127198.5(TMC6):c.2354G>C (p.Arg785Thr)

Gene: TMC6 (transmembrane channel like 6; minus strand). Cytogenetic location: 17q25.3.
Variant type: single nucleotide variant.
Coding change: c.2354G>C on transcript NM_001127198.5 (MANE Select); coding-DNA position 2354, G replaced by C.
Protein change: p.Arg785Thr; replaces arginine 785 with threonine.
Molecular consequence: missense variant. On other transcripts: non-coding transcript variant (4).
Genome position (GRCh38, 1-based): chr17:78,113,548, C>G on the plus strand (G>C on the coding strand, the complement: TMC6 is on the minus strand). VCF-style: chr17-78113548-C-G. GRCh37 (hg19) VCF-style: chr17-76109629-C-G.
Other names: c.2354G>C, p.Arg785Thr (NM_001374596.1, NM_001375353.1, NM_001375354.1 and 2 more transcripts); c.2174G>C, p.Arg725Thr (NM_001374593.1, NM_001374594.1); short protein forms R785T, R725T.
Identifiers: ClinVar variation 626186 (VCV000626186.9), dbSNP rs763777731, ClinGen allele CA8795316.

ClinVar aggregate classification (germline): Uncertain significance. Review status: criteria provided, multiple submitters, no conflicts (2 of 4 stars). 2 submissions from 2 submitters: Uncertain significance (2). Last evaluated 2024-10-22.

Conditions:
Epidermodysplasia verruciformis. Identifiers: Orphanet 302, MedGen C0014522, MONDO:0009176.
Epidermodysplasia verruciformis, susceptibility to, 1. Identifiers: Orphanet 302, MedGen C4722564, MONDO:0100045, OMIM 226400.

Allele frequency attached by ClinVar (database versions not stated): TOPMed 0.00003; gnomAD exomes 0.00007 and 0.00026; gnomAD 0.00009; ExAC 0.00002.
gnomAD v4.1: 376 of 1,613,912 alleles (0.023%); highest among the groups gnomAD compares: Non-Finnish European, 0.031%; 1 homozygote.

Submissions (3):

Labcorp Genetics (formerly Invitae), Labcorp
Classification: Uncertain significance for Epidermodysplasia verruciformis. Last evaluated: 2024-10-22. Review status: criteria provided, single submitter. Criteria: Invitae Variant Classification Sherloc (09022015). Collection method: clinical testing. Allele origin: germline.
Comment: This sequence change replaces arginine, which is basic and polar, with threonine, which is neutral and polar, at codon 785 of the TMC6 protein (p.Arg785Thr). This variant also falls at the last nucleotide of exon 19, which is part of the consensus splice site for this exon. This variant is present in population databases (rs763777731, gnomAD 0.02%). This variant has not been reported in the literature in individuals affected with TMC6-related conditions. ClinVar contains an entry for this variant (Variation ID: 626186). An algorithm developed to predict the effect of missense changes on protein structure and function (PolyPhen-2) suggests that this variant¬†is likely to be tolerated. Variants that disrupt the consensus splice site are a relatively common cause of aberrant splicing (PMID: 17576681, 9536098). Algorithms developed to predict the effect of sequence changes on RNA splicing suggest that this variant may disrupt the consensus splice site. In summary, the available evidence is currently insufficient to determine the role of this variant in disease. Therefore, it has been classified as a Variant of Uncertain Significance.

Center for Genomics, Ann and Robert H. Lurie Children's Hospital of Chicago
Classification: Uncertain significance for Epidermodysplasia verruciformis, susceptibility to, 1. Last evaluated: 2021-03-30. Review status: criteria provided, single submitter. Criteria: ACMG Guidelines, 2015. Collection method: clinical testing. Allele origin: germline.
Comment: TMC6 NM_007267.7 exon 19 p.Arg785Thr (c.2354G>C): This variant has not been reported in the literature but is present in 21/126642 European alleles in the Genome Aggregation Database. Evolutionary conservation and computational predictive tools for this variant are unclear. Splice prediction tools suggest that this variant may affect splicing. However, further studies are needed to understand its impact. In summary, data on this variant is insufficient for disease classification. Therefore, the clinical significance of this variant is uncertain.

Dr. Peter K. Rogan Lab, Western University
No classification provided (evidence only). Condition: Malignant tumor of urinary bladder. Review status: no classification provided. Collection method: in vitro. Allele origin: not applicable. Functional consequence: skipped exon, retained intron. Not counted in ClinVar's aggregate classification.

Literature cited by the submitters: PubMed 17576681 (cited by Labcorp Genetics (formerly Invitae), Labcorp); PubMed 9536098 (cited by Labcorp Genetics (formerly Invitae), Labcorp).